The following is an entry in ClinVar:

ClinVar aggregate classification (germline): Uncertain significance (1 of 4 stars; one submission).

Conditions:
Inborn genetic diseases. Identifiers: MedGen C0950123, MeSH D030342.

Submission:

Ambry Genetics
Classification: Uncertain significance for Inborn genetic diseases. Last evaluated: 2025-02-20. Review status: criteria provided, single submitter. Criteria: Ambry Variant Classification Scheme 2023. Collection method: clinical testing. Allele origin: germline.
Comment: The p.N1098K variant (also known as c.3294T>G), located in coding exon 14 of the FANCM gene, results from a T to G substitution at nucleotide position 3294. The asparagine at codon 1098 is replaced by lysine, an amino acid with similar properties. This amino acid position is conserved. In addition, this alteration is predicted to be tolerated by in silico analysis. Based on the available evidence, the clinical significance of this variant remains unclear.

NM_020937.4(FANCM):c.3294T>G (p.Asn1098Lys)

Gene: FANCM (FA complementation group M; plus strand). Cytogenetic location: 14q21.2.
Variant type: single nucleotide variant.
Coding change: c.3294T>G on transcript NM_020937.4 (MANE Select); coding-DNA position 3294, T replaced by G.
Protein change: p.Asn1098Lys; replaces asparagine 1098 with lysine.
Molecular consequence: missense variant.
Genome position (GRCh38, 1-based): chr14:45,176,048, T>G. VCF-style: chr14-45176048-T-G. GRCh37 (hg19) VCF-style: chr14-45645251-T-G.
Other names: c.3216T>G, p.Asn1072Lys (NM_001308133.2); short protein forms N1072K, N1098K.
Identifiers: ClinVar variation 3848744 (VCV003848744.1).